The following is an entry in ClinVar:

NM_005360.5(MAF):c.593G>A (p.Gly198Asp)

Gene: MAF (MAF bZIP transcription factor; minus strand). Cytogenetic location: 16q23.2.
Variant type: single nucleotide variant.
Coding change: c.593G>A on transcript NM_005360.5 (MANE Select); coding-DNA position 593, G replaced by A.
Protein change: p.Gly198Asp; replaces glycine 198 with aspartic acid.
Molecular consequence: missense variant.
Genome position (GRCh38, 1-based): chr16:79,599,310, C>T on the plus strand (G>A on the coding strand, the complement: MAF is on the minus strand). VCF-style: chr16-79599310-C-T. GRCh37 (hg19) VCF-style: chr16-79633207-C-T.
Other names: c.593G>A, p.Gly198Asp (NM_001031804.3); short protein forms G198D.
Identifiers: ClinVar variation 2230529 (VCV002230529.4), dbSNP rs1913830222, ClinGen allele CA396535613.
Genomic context (GRCh38, chr16:79,599,310, plus strand): 5'-CCGCCCGCGCCCCCAGCGCCACCGGCCGAGGCGGCCGCGCTGCCCGCGGCGCCGGGCGCG[C>T]CGGCCGTCGGGTGGTGGTGGTGGCCGGCGGCGTGGTGGTGGTGGTGGTGGTAGTGCGGGC-3'
Protein context (NP_005351.2, residues 188-208): AAGHHHHPTA[Gly198Asp]APGAAGSAAA

ClinVar aggregate classification (germline): Uncertain significance. Review status: criteria provided, single submitter (1 of 4 stars). 2 submissions from 2 submitters: Uncertain significance (1). 1 of the submissions does not count toward it. Last evaluated 2021-05-10.

Conditions:
Inborn genetic diseases. Identifiers: MedGen C0950123, MeSH D030342.
MAF-related disorder. Also called: MAF-related condition.

Allele frequency attached by ClinVar (database versions not stated): TOPMed below 0.00001; gnomAD 0.00001.
gnomAD v4.1: 1 of 982,196 alleles (0.0001%); highest among the groups gnomAD compares: Non-Finnish European, 0.00012%; no homozygotes.

Submissions (2):

Ambry Genetics
Classification: Uncertain significance for Inborn genetic diseases. Last evaluated: 2021-05-10. Review status: criteria provided, single submitter. Criteria: Ambry Variant Classification Scheme 2023. Collection method: clinical testing. Allele origin: germline.

PreventionGenetics, part of Exact Sciences
Classification: Uncertain significance for MAF-related condition. Last evaluated: 2024-01-23. Review status: no assertion criteria provided. Collection method: clinical testing. Allele origin: germline. Not counted in ClinVar's aggregate classification.
Comment: The MAF c.593G>A variant is predicted to result in the amino acid substitution p.Gly198Asp. To our knowledge, this variant has not been reported in the literature or in a large population database, indicating this variant is rare. At this time, the clinical significance of this variant is uncertain due to the absence of conclusive functional and genetic evidence.